The following is an entry in ClinVar:

NM_001099287.2(NIPAL4):c.341C>A (p.Ala114Asp)

Gene: NIPAL4 (NIPA like domain containing 4; plus strand). Cytogenetic location: 5q33.3.
Variant type: single nucleotide variant.
Coding change: c.341C>A on transcript NM_001099287.2 (MANE Select); coding-DNA position 341, C replaced by A.
Protein change: p.Ala114Asp; replaces alanine 114 with aspartic acid.
Molecular consequence: missense variant.
Genome position (GRCh38, 1-based): chr5:157,468,728, C>A. VCF-style: chr5-157468728-C-A. GRCh37 (hg19) VCF-style: chr5-156895736-C-A.
Other names: p.Ala114Asp; c.284C>A, p.Ala95Asp (NM_001172292.2); short protein forms A176D, A157D, A114D, A95D.
Identifiers: ClinVar variation 1731 (VCV000001731.49), dbSNP rs199422217, ClinGen allele CA251939.

ClinVar aggregate classification (germline): Pathogenic/Likely pathogenic. Review status: criteria provided, multiple submitters, no conflicts (2 of 4 stars). 29 submissions from 28 submitters: Pathogenic (21); Likely pathogenic (2). 6 of the submissions do not count toward it. Last evaluated 2026-06-12.

Conditions:
NIPAL4-related disorders.
Ichthyosis and erythrokeratoderma.
Fetal anomalies with a likely genetic cause.
NIPAL4-related disorder. Also called: NIPAL4-related condition.
Autosomal recessive congenital ichthyosis (ARCI). Identifiers: Orphanet 281097, MedGen C1274215, MONDO:0017265.
Lamellar ichthyosis. Identifiers: Orphanet 313, MedGen C5848247, MONDO:0017778.
Autosomal recessive congenital ichthyosis 6 (ARCI6). Identifiers: Orphanet 313, Orphanet 79394, MedGen C2677065, MONDO:0012847, OMIM 612281.

Allele frequency attached by ClinVar (database versions not stated): 1000 Genomes Project 0.00060; gnomAD exomes 0.00065; TOPMed 0.00076; gnomAD 0.00077 and 0.00079; 1000 Genomes Project 30x 0.00078.

Submissions 1 to 12 of 29:

Genetics Laboratory, Great Ormond Street Hospital NHS Foundation Trust, North Thames Genomic Laboratory Hub
Classification: Likely pathogenic for Fetal anomalies with a likely genetic cause. Last evaluated: 2026-06-12. Review status: criteria provided, single submitter. Criteria: ACGS Best Practice Guidelines for Variant Classification in Rare Disease 2024 v1.2. Collection method: clinical testing. Allele origin: germline. Affected: yes.
Comment: PP3_supporting, PP1_strong, PM3_moderate

PreventionGenetics, part of Exact Sciences
Classification: Pathogenic for NIPAL4-related condition. Last evaluated: 2026-02-11. Review status: criteria provided, single submitter. Criteria: ACMG Guidelines, 2015. Collection method: clinical testing. Allele origin: germline.
Comment: The NIPAL4 c.527C>A variant is predicted to result in the amino acid substitution p.Ala176Asp. This variant has been reported in the homozygous or compound heterozygous state in individuals with autosomal recessive congenital ichthyosis (ARCI) (Palamar et al. 2015. PubMed ID: 24397709; Diociaiuti et al. 2016. PubMed ID: 26762237; Table S2, Simpson et al. 2019. PubMed ID: 31168818; Borská et al. 2019. PubMed ID: 31046801). In addition, this variant has been reported to segregate with disease in 13 individuals from two large families with ARCI (Wajid et al. 2009. PubMed ID: 20016120). This variant is reported in 0.11% of alleles in individuals of European (non-Finnish) descent in gnomAD. This variant is interpreted as pathogenic.

Labcorp Genetics (formerly Invitae), Labcorp
Classification: Pathogenic. Last evaluated: 2026-01-30. Review status: criteria provided, single submitter. Criteria: Invitae Variant Classification Sherloc (09022015). Collection method: clinical testing. Allele origin: germline.
Comment: This sequence change replaces alanine, which is neutral and non-polar, with aspartic acid, which is acidic and polar, at codon 176 of the NIPAL4 protein (p.Ala176Asp). This variant is present in population databases (rs199422217, gnomAD 0.1%), and has an allele count higher than expected for a pathogenic variant. This missense change has been observed in individual(s) with autosomal recessive congenital ichthyosis (PMID: 15317751, 17557927, 20016120, 25458912, 26762237, 29444371, 29453417, 31046801, 31168818, 31532840, 34908195, 35412663, 35734965; internal data). In at least one individual the data is consistent with being in trans (on the opposite chromosome) from a pathogenic variant. It has also been observed to segregate with disease in related individuals. This variant is also known as 341C>A (A114N). ClinVar contains an entry for this variant (Variation ID: 1731). Invitae Evidence Modeling of protein sequence and biophysical properties (such as structural, functional, and spatial information, amino acid conservation, physicochemical variation, residue mobility, and thermodynamic stability) indicates that this missense variant is not expected to disrupt NIPAL4 protein function with a negative predictive value of 80%. For these reasons, this variant has been classified as Pathogenic.

Dasa
Classification: Pathogenic. Last evaluated: 2026-01-16. Review status: criteria provided, single submitter. Criteria: DASA Assertion Criteria. Collection method: clinical testing. Allele origin: germline.
Comment: NM_001099287.2(NIPAL4):c.341C>A (p.Ala114Asp) introduces an alanine-to-aspartic acid substitution. The variant has been recurrently observed in individuals with autosomal recessive congenital ichthyosis 6 and segregates with disease in multiple families (PMIDs: 15317751, 17557927, 31046801). Based on the available data, this variant is classified as pathogenic.

Genetics Laboratory, Great Ormond Street Hospital NHS Foundation Trust, North Thames Genomic Laboratory Hub
Classification: Likely pathogenic for Ichthyosis and erythrokeratoderma. Last evaluated: 2025-09-03. Review status: criteria provided, single submitter. Criteria: ACGS Best Practice Guidelines for Variant Classification in Rare Disease 2024 v1.2. Collection method: clinical testing. Allele origin: germline. Affected: yes.
Comment: PP3_supporting, PM3_strong, PP4_supporting

Molecular Genetics, Royal Melbourne Hospital
Classification: Pathogenic for Autosomal recessive congenital ichthyosis 6. Last evaluated: 2025-02-06. Review status: criteria provided, single submitter. Criteria: ACMG Guidelines, 2015. Collection method: clinical testing. Allele origin: germline. Inheritance: Autosomal recessive inheritance. Affected: yes.
Comment: This sequence change in NIPAL4 is predicted to replace alanine with aspartic acid at codon 114, p.(Ala114Asp). This variant is also known as A176D, A157D and A95D. The alanine residue is moderately conserved (100 vertebrates, Multiz Alignments), and is located in a transmembrane domain. There is a large physicochemical difference between alanine and aspartic acid. The highest population minor allele frequency in the population database gnomAD v4.1 is 0.14% (1,631/1,175,964 alleles, 1 homozygote) in the European (non-Finnish) population. ClinVar contains multiple entries for this variant (Variation ID: 1731). This variant has been detected as homozygous and compound heterozygous in multiple individuals with congenital ichthyosis, with at least one pathogenic variant confirmed on the second allele and has been shown to segregate with disease in multiple families (PMID: 15317751, 17557927, 20016120, 29444371, 31046801). Computational evidence predicts a deleterious effect for the missense substitution (REVEL = 0.77). Based on the classification scheme RMH Modified ACMG/AMP Guidelines v1.7.1, this variant is classified as PATHOGENIC. Following criteria are met: PM3_VeryStrong, PP1_Strong, PP3.

Centre for Clinical Genetics and Genomic Diagnostics, Zealand University Hospital
Classification: Pathogenic. Last evaluated: 2024-12-17. Review status: criteria provided, single submitter. Criteria: ACMG Guidelines, 2015. Collection method: clinical testing. Allele origin: germline. Affected: yes.

Blueprint Genetics
Classification: Pathogenic for NIPAL4-related disorders. Last evaluated: 2024-11-20. Review status: criteria provided, single submitter. Criteria: ACMG Guidelines, 2015. Collection method: clinical testing. Allele origin: germline. Affected: yes. Observed: 5 variant alleles.

Fulgent Genetics
Classification: Pathogenic for Autosomal recessive congenital ichthyosis 6. Last evaluated: 2024-05-24. Review status: criteria provided, single submitter. Criteria: ACMG Guidelines, 2015. Collection method: clinical testing. Allele origin: germline.

Laboratorio de Genetica e Diagnostico Molecular, Hospital Israelita Albert Einstein
Classification: Pathogenic for Autosomal recessive congenital ichthyosis 6. Last evaluated: 2023-11-29. Review status: criteria provided, single submitter. Criteria: ACMG Guidelines, 2015. Collection method: clinical testing. Allele origin: germline. Affected: yes.
Comment: ACMG classification criteria: PM2 moderate, PM3 very strong, PP3 supporting

3billion
Classification: Pathogenic for Autosomal recessive congenital ichthyosis 6. Last evaluated: 2023-07-19. Review status: criteria provided, single submitter. Criteria: ACMG Guidelines, 2015. Collection method: clinical testing. Allele origin: germline. Affected: yes.
Comment: The variant is observed at an extremely low frequency in the gnomAD v2.1.1 dataset (total allele frequency: 0.066%). Predicted Consequence/Location: Missense variant In silico tool predictions suggest damaging effect of the variant on gene or gene product (REVEL: 0.77; 3Cnet: 0.71). Same nucleotide change resulting in same amino acid change has been previously reported as pathogenic/likely pathogenic with strong evidence (ClinVar ID: VCV000001731 /PMID: 15317751). The variant has been reported to be in trans with a pathogenic variant as either compound heterozygous or homozygous in at least one similarly affected unrelated individual (PMID: 20016120, 22622417, 24397709, 25458912, 29444371, 31168818). The variant has been reported to co-segregate with the disease in at least 5 similarly affected relatives/individuals in the same family or similarly affected unrelated family (PMID: 20016120). Therefore, this variant is classified as Pathogenic according to the recommendation of ACMG/AMP guideline.

Clinical Genetics Laboratory, Skane University Hospital Lund
Classification: Pathogenic. Last evaluated: 2023-06-02. Review status: criteria provided, single submitter. Criteria: ACMG Guidelines, 2015. Collection method: clinical testing. Allele origin: germline. Affected: yes.